The following is an entry in ClinVar:

NM_001134363.3(RBM20):c.2716G>A (p.Glu906Lys)

Gene: RBM20 (RNA binding motif protein 20; plus strand). Cytogenetic location: 10q25.2.
Variant type: single nucleotide variant.
Coding change: c.2716G>A on transcript NM_001134363.3 (MANE Select); coding-DNA position 2716, G replaced by A.
Protein change: p.Glu906Lys; replaces glutamic acid 906 with lysine.
Molecular consequence: missense variant.
Genome position (GRCh38, 1-based): chr10:110,821,335, G>A. VCF-style: chr10-110821335-G-A. GRCh37 (hg19) VCF-style: chr10-112581093-G-A.
Other names: short protein forms E906K.
Identifiers: ClinVar variation 470604 (VCV000470604.7), dbSNP rs1554843516, ClinGen allele CA378377260.

ClinVar aggregate classification (germline): Uncertain significance (1 of 4 stars; one submission).

Conditions:
Dilated cardiomyopathy 1DD (CMD1DD). Identifiers: Orphanet 154, MedGen C2750995, MONDO:0013168, OMIM 613172.

Submission:

Labcorp Genetics (formerly Invitae), Labcorp
Classification: Uncertain significance for Dilated cardiomyopathy 1DD. Last evaluated: 2017-03-06. Review status: criteria provided, single submitter. Criteria: Invitae Variant Classification Sherloc (09022015). Collection method: clinical testing. Allele origin: germline.
Comment: In summary, this variant is a novel missense change with uncertain impact on protein function. It has been classified as a Variant of Uncertain Significance. Algorithms developed to predict the effect of missense changes on protein structure and function do not agree on the potential impact of this missense change (SIFT: "Deleterious"; PolyPhen-2: "Probably Damaging"; Align-GVGD: "Class C0"). This variant is not present in population databases (ExAC no frequency) and has not been reported in the literature in individuals with a RBM20-related disease. This sequence change replaces glutamic acid with lysine at codon 906 of the RBM20 protein (p.Glu906Lys). The glutamic acid residue is highly conserved and there is a small physicochemical difference between glutamic acid and lysine.